The following is an entry in ClinVar:

ClinVar aggregate classification (germline): Uncertain significance (1 of 4 stars; one submission).

Conditions:
LAMA2-related muscular dystrophy (LAMA2-RD). Also called: Laminin alpha 2-related dystrophy. Identifiers: MedGen C5679788, MONDO:0100228.

Allele frequency attached by ClinVar (database versions not stated): TOPMed below 0.00001.
gnomAD v4.1: 4 of 1,600,584 alleles (0.00025%); highest among the groups gnomAD compares: Non-Finnish European, 0.00034%; no homozygotes.

Submission:

Labcorp Genetics (formerly Invitae), Labcorp
Classification: Uncertain significance for LAMA2-related muscular dystrophy. Last evaluated: 2022-11-08. Review status: criteria provided, single submitter. Criteria: Invitae Variant Classification Sherloc (09022015). Collection method: clinical testing. Allele origin: germline.
Comment: This variant has not been reported in the literature in individuals affected with LAMA2-related conditions. This variant is not present in population databases (gnomAD no frequency). This sequence change replaces glutamic acid, which is acidic and polar, with glycine, which is neutral and non-polar, at codon 1356 of the LAMA2 protein (p.Glu1356Gly). ClinVar contains an entry for this variant (Variation ID: 955952). In summary, the available evidence is currently insufficient to determine the role of this variant in disease. Therefore, it has been classified as a Variant of Uncertain Significance. Advanced modeling of protein sequence and biophysical properties (such as structural, functional, and spatial information, amino acid conservation, physicochemical variation, residue mobility, and thermodynamic stability) performed at Invitae indicates that this missense variant is not expected to disrupt LAMA2 protein function.

NM_000426.4(LAMA2):c.4067A>G (p.Glu1356Gly)

Gene: LAMA2 (laminin subunit alpha 2; plus strand). Cytogenetic location: 6q22.33.
Variant type: single nucleotide variant.
Coding change: c.4067A>G on transcript NM_000426.4 (MANE Select); coding-DNA position 4067, A replaced by G.
Protein change: p.Glu1356Gly; replaces glutamic acid 1356 with glycine.
Molecular consequence: missense variant.
Genome position (GRCh38, 1-based): chr6:129,320,546, A>G. VCF-style: chr6-129320546-A-G. GRCh37 (hg19) VCF-style: chr6-129641691-A-G.
Other names: c.4067A>G, p.Glu1356Gly (NM_001079823.2); short protein forms E1356G.
Identifiers: ClinVar variation 955952 (VCV000955952.10), dbSNP rs1774903108, ClinGen allele CA365612461.